The following is an entry in ClinVar:

ClinVar aggregate classification (germline): Uncertain significance (1 of 4 stars; one submission).

Conditions:
Early-infantile DEE. Also called: Ohtahara syndrome; Early infantile epileptic encephalopathy with suppression bursts; Early infantile epileptic encephalopathy. Identifiers: Orphanet 1934, MedGen C0393706, MONDO:0800491.

Submission:

Labcorp Genetics (formerly Invitae), Labcorp
Classification: Uncertain significance for Early-infantile DEE. Last evaluated: 2023-11-24. Review status: criteria provided, single submitter. Criteria: Invitae Variant Classification Sherloc (09022015). Collection method: clinical testing. Allele origin: germline.
Comment: This sequence change replaces glutamic acid, which is acidic and polar, with lysine, which is basic and polar, at codon 1448 of the SCN1A protein (p.Glu1448Lys). This variant is not present in population databases (gnomAD no frequency). This variant has not been reported in the literature in individuals affected with SCN1A-related conditions. Advanced modeling of protein sequence and biophysical properties (such as structural, functional, and spatial information, amino acid conservation, physicochemical variation, residue mobility, and thermodynamic stability) performed at Invitae indicates that this missense variant is not expected to disrupt SCN1A protein function with a negative predictive value of 95%. In summary, the available evidence is currently insufficient to determine the role of this variant in disease. Therefore, it has been classified as a Variant of Uncertain Significance.

NM_001165963.4(SCN1A):c.4342G>A (p.Glu1448Lys)

Genes: SCN1A (sodium voltage-gated channel alpha subunit 1; minus strand), LOC102724058 (uncharacterized LOC102724058; plus strand). Cytogenetic location: 2q24.3.
Variant type: single nucleotide variant.
Coding change: c.4342G>A on transcript NM_001165963.4 (MANE Select); coding-DNA position 4342, G replaced by A.
Protein change: p.Glu1448Lys; replaces glutamic acid 1448 with lysine.
Molecular consequence: missense variant. On other transcripts: non-coding transcript variant (1).
Genome position (GRCh38, 1-based): chr2:165,998,172, C>T on the plus strand (G>A on the coding strand, the complement: SCN1A is on the minus strand). VCF-style: chr2-165998172-C-T. GRCh37 (hg19) VCF-style: chr2-166854682-C-T.
Other names: c.4306G>A, p.Glu1436Lys (NM_001353955.2, NM_001353954.2); c.4258G>A, p.Glu1420Lys (NM_001353957.2, NM_001353958.2, NM_001165964.3); c.4255G>A, p.Glu1419Lys (NM_001353960.2); c.1900G>A, p.Glu634Lys (NM_001353961.2); c.4309G>A, p.Glu1437Lys (NM_006920.6, NM_001353949.2, NM_001353950.2 and 2 more transcripts); c.4342G>A, p.Glu1448Lys (NM_001202435.3, NM_001353948.2); short protein forms E1436K, E1419K, E1448K, E634K, E1420K, E1437K.
Identifiers: ClinVar variation 2978537 (VCV002978537.3), dbSNP rs1193847815, ClinGen allele CA349049506.